The following is an entry in ClinVar:

ClinVar aggregate classification (germline): Conflicting classifications of pathogenicity. Review status: criteria provided, conflicting classifications (1 of 4 stars). 5 submissions from 5 submitters: Uncertain significance (3); Likely benign (1). 1 of the submissions does not count toward it. Last evaluated 2025-08-20.

Conditions:
Proteinuria, chronic benign. Identifiers: MedGen C5394384, MONDO:0030042, OMIM 618884.
Imerslund-Grasbeck syndrome type 1 (IGS1). Also called: Megaloblastic anemia 1, Finnish type; MEGALOBLASTIC ANEMIA, 1; Imerslund-Gräsbeck syndrome 1. Identifiers: MedGen C4016819, MONDO:0100156, OMIM 261100.
Imerslund-Grasbeck syndrome. Also called: ENTEROCYTE COBALAMIN MALABSORPTION; ENTEROCYTE INTRINSIC FACTOR RECEPTOR, DEFECT OF; Megaloblastic anemia due to inborn errors of metabolism; Imerslund-Gräsbeck syndrome; PERNICIOUS ANEMIA, JUVENILE, DUE TO SELECTIVE INTESTINAL MALABSORPTION OF VITAMIN B12, WITH PROTEINURIA. Identifiers: Orphanet 35858, MedGen C4551825, MONDO:0009853.
Inborn genetic diseases. Identifiers: MedGen C0950123, MeSH D030342.
CUBN-related disorder. Also called: CUBN-related condition.

Allele frequency attached by ClinVar (database versions not stated): gnomAD exomes 0.00004 and 0.00011; ExAC 0.00017; ESP Exome Variant Server 0.00038; gnomAD 0.00044 and 0.00046; TOPMed 0.00051; 1000 Genomes Project 30x 0.00078; 1000 Genomes Project 0.00080.
gnomAD v4.1: 129 of 1,613,686 alleles (0.008%); highest among the groups gnomAD compares: African/African-American, 0.16%; no homozygotes.

Submissions (5):

Ambry Genetics
Classification: Likely benign for Inborn genetic diseases. Last evaluated: 2025-08-20. Review status: criteria provided, single submitter. Criteria: Ambry Variant Classification Scheme 2023. Collection method: clinical testing. Allele origin: germline.

Blueprint Genetics
Classification: Uncertain significance. Last evaluated: 2024-10-16. Review status: criteria provided, single submitter. Criteria: ACMG Guidelines, 2015. Collection method: clinical testing. Allele origin: germline.

Fulgent Genetics
Classification: Uncertain significance for Imerslund-Grasbeck syndrome type 1; Proteinuria, chronic benign. Last evaluated: 2024-05-13. Review status: criteria provided, single submitter. Criteria: ACMG Guidelines, 2015. Collection method: clinical testing. Allele origin: germline.

Labcorp Genetics (formerly Invitae), Labcorp
Classification: Uncertain significance for Imerslund-Grasbeck syndrome. Last evaluated: 2022-08-11. Review status: criteria provided, single submitter. Criteria: Invitae Variant Classification Sherloc (09022015). Collection method: clinical testing. Allele origin: germline.
Comment: This sequence change replaces phenylalanine, which is neutral and non-polar, with leucine, which is neutral and non-polar, at codon 977 of the CUBN protein (p.Phe977Leu). This variant is present in population databases (rs142292210, gnomAD 0.1%). This variant has not been reported in the literature in individuals affected with CUBN-related conditions. ClinVar contains an entry for this variant (Variation ID: 661552). Algorithms developed to predict the effect of missense changes on protein structure and function are either unavailable or do not agree on the potential impact of this missense change (SIFT: "Deleterious"; PolyPhen-2: "Probably Damaging"; Align-GVGD: "Class C0"). In summary, the available evidence is currently insufficient to determine the role of this variant in disease. Therefore, it has been classified as a Variant of Uncertain Significance.

PreventionGenetics, part of Exact Sciences
Classification: Likely benign for CUBN-related condition. Last evaluated: 2024-04-03. Review status: no assertion criteria provided. Collection method: clinical testing. Allele origin: germline. Not counted in ClinVar's aggregate classification.
Comment: This variant is classified as likely benign based on ACMG/AMP sequence variant interpretation guidelines (Richards et al. 2015 PMID: 25741868, with internal and published modifications).

NM_001081.4(CUBN):c.2929T>C (p.Phe977Leu)

Gene: CUBN (cubilin; minus strand). Cytogenetic location: 10p13.
Variant type: single nucleotide variant.
Coding change: c.2929T>C on transcript NM_001081.4 (MANE Select); coding-DNA position 2929, T replaced by C.
Protein change: p.Phe977Leu; replaces phenylalanine 977 with leucine.
Molecular consequence: missense variant.
Genome position (GRCh38, 1-based): chr10:17,068,143, A>G on the plus strand (T>C on the coding strand, the complement: CUBN is on the minus strand). VCF-style: chr10-17068143-A-G. GRCh37 (hg19) VCF-style: chr10-17110142-A-G.
Other names: short protein forms F977L.
Identifiers: ClinVar variation 661552 (VCV000661552.10), dbSNP rs142292210, ClinGen allele CA5424822.